The following is an entry in ClinVar:

ClinVar aggregate classification (germline): Uncertain significance (1 of 4 stars; one submission).

Conditions:
SCLT1-related disorder. Also called: SCLT1-related condition.

Submission:

PreventionGenetics, part of Exact Sciences
Classification: Uncertain significance for SCLT1-related condition. Last evaluated: 2025-04-30. Review status: criteria provided, single submitter. Criteria: ACMG Guidelines, 2015. Collection method: clinical testing. Allele origin: germline.
Comment: The SCLT1 c.85A>C variant is predicted to result in the amino acid substitution p.Lys29Gln. To our knowledge, this variant has not been reported in the literature or in a large population database (gnomAD), indicating this variant is rare. At this time, the clinical significance of this variant is uncertain due to the absence of conclusive functional and genetic evidence.

NM_144643.4(SCLT1):c.85A>C (p.Lys29Gln)

Gene: SCLT1 (sodium channel and clathrin linker 1; minus strand). Cytogenetic location: 4q28.2.
Variant type: single nucleotide variant.
Coding change: c.85A>C on transcript NM_144643.4 (MANE Select); coding-DNA position 85, A replaced by C.
Protein change: p.Lys29Gln; replaces lysine 29 with glutamine.
Molecular consequence: missense variant.
Genome position (GRCh38, 1-based): chr4:129,082,323, T>G on the plus strand (A>C on the coding strand, the complement: SCLT1 is on the minus strand). VCF-style: chr4-129082323-T-G. GRCh37 (hg19) VCF-style: chr4-130003478-T-G.
Other names: c.85A>C, p.Lys29Gln (NM_001300897.2, NM_001300898.2, NM_001410807.1); short protein forms K29Q.
Identifiers: ClinVar variation 5000965 (VCV005000965.1).